The following is an entry in ClinVar:

ClinVar aggregate classification (germline): Likely benign (0 of 4 stars; one submission).

Conditions:
GPBAR1-related disorder. Also called: GPBAR1-related condition.

Allele frequency attached by ClinVar (database versions not stated): gnomAD 0.00001; TOPMed 0.00002.
gnomAD v4.1: 5 of 1,613,610 alleles (0.00031%); highest among the groups gnomAD compares: Admixed American, 0.0033%; no homozygotes.

Submission:

PreventionGenetics, part of Exact Sciences
Classification: Likely benign for GPBAR1-related condition. Last evaluated: 2023-03-31. Review status: no assertion criteria provided. Collection method: clinical testing. Allele origin: germline.
Comment: This variant is classified as likely benign based on ACMG/AMP sequence variant interpretation guidelines (Richards et al. 2015 PMID: 25741868, with internal and published modifications).

NM_170699.3(GPBAR1):c.153C>T (p.Gly51=)

Gene: GPBAR1 (G protein-coupled bile acid receptor 1; plus strand). Cytogenetic location: 2q35.
Variant type: single nucleotide variant.
Coding change: c.153C>T on transcript NM_170699.3 (MANE Select); coding-DNA position 153, C replaced by T.
Protein change: p.Gly51=; no amino-acid change (glycine 51 retained).
Molecular consequence: synonymous variant.
Genome position (GRCh38, 1-based): chr2:218,262,877, C>T. VCF-style: chr2-218262877-C-T. GRCh37 (hg19) VCF-style: chr2-219127600-C-T.
Other names: c.153C>T, p.Gly51= (NM_001077191.2, NM_001077194.2, NM_001321950.2).
Identifiers: ClinVar variation 3029696 (VCV003029696.2), dbSNP rs1198581043, ClinGen allele CA431221634.
Genomic context (GRCh38, chr2:218,262,877, plus strand): 5'-GAACCTGCTCCTAGCCCTGGGCATCGCCTGGGACCGCCGCCTGCGCAGCCCACCTGCTGG[C>T]TGCTTCTTCCTGAGCCTACTGCTGGCTGGGCTGCTCACGGGTCTGGCATTGCCCACATTG-3'
Protein context (NP_733800.1, residues 41-61): WDRRLRSPPA[Gly51=]CFFLSLLLAG